The following is an entry in ClinVar:

ClinVar aggregate classification (germline): Benign/Likely benign. Review status: criteria provided, multiple submitters, no conflicts (2 of 4 stars). 22 submissions from 22 submitters: Benign (8); Likely benign (7). 7 of the submissions do not count toward it. Last evaluated 2026-09-01.

Conditions:
Facial dysmorphism-immunodeficiency-livedo-short stature syndrome. Also called: Facial dysmorphism, immunodeficiency, livedo, and short stature; FILS syndrome. Identifiers: Orphanet 352712, MedGen C3554576, MONDO:0014058, OMIM 615139.
Colorectal cancer, susceptibility to, 12 (CRCS12). Also called: COLORECTAL CANCER, SUSCEPTIBILITY TO, ON CHROMOSOME 12q24. Identifiers: Orphanet 220460, MedGen C3554460, MONDO:0014038, OMIM 615083.
Intrauterine growth retardation, metaphyseal dysplasia, adrenal hypoplasia congenita, genital anomalies, and immunodeficiency. Also called: IMAGEI SYNDROME. Identifiers: MedGen C5193036, MONDO:0032684, OMIM 618336.
Hereditary cancer-predisposing syndrome. Also called: Neoplastic Syndromes, Hereditary; Tumor predisposition; Hereditary Cancer Syndrome; Hereditary neoplastic syndrome. Identifiers: Orphanet 140162, MedGen C0027672, MeSH D009386, MONDO:0015356.

Allele frequency attached by ClinVar (database versions not stated): 1000 Genomes Project 30x 0.00141; 1000 Genomes Project 0.00160; TOPMed 0.00249; ESP Exome Variant Server 0.00346; ExAC 0.00434; gnomAD exomes 0.00469; gnomAD 0.00487 and 0.00513.
gnomAD v4.1: 6,838 of 1,612,582 alleles (0.42%); highest among the groups gnomAD compares: Non-Finnish European, 0.4%; 40 homozygotes.

Submissions (22):

CeGaT Center for Human Genetics Tuebingen
Classification: Likely benign. Last evaluated: 2026-09-01. Review status: criteria provided, single submitter. Criteria: CeGaT Center For Human Genetics Tuebingen Variant Classification Criteria Version 2. Collection method: clinical testing. Allele origin: germline. Affected: yes. Observed: 37 variant alleles.
Comment: POLE: BP4, BS2

Labcorp Genetics (formerly Invitae), Labcorp
Classification: Benign. Last evaluated: 2026-02-03. Review status: criteria provided, single submitter. Criteria: Invitae Variant Classification Sherloc (09022015). Collection method: clinical testing. Allele origin: germline.

Mayo Clinic Laboratories, Mayo Clinic
Classification: Likely benign. Last evaluated: 2025-08-22. Review status: criteria provided, single submitter. Criteria: ACMG Guidelines, 2015. Collection method: clinical testing. Allele origin: germline. Observed: 3 variant alleles.
Comment: BS1, BP4

ARUP Laboratories, Molecular Genetics and Genomics, ARUP Laboratories
Classification: Benign. Last evaluated: 2025-07-11. Review status: criteria provided, single submitter. Criteria: ARUP Molecular Germline Variant Investigation Process 2024. Collection method: clinical testing. Allele origin: germline.

Center for Genomic Medicine, Rigshospitalet, Copenhagen University Hospital
Classification: Likely benign. Last evaluated: 2025-03-04. Review status: criteria provided, single submitter. Criteria: ACMG Guidelines, 2015. Collection method: clinical testing. Allele origin: germline.

Blueprint Genetics
Classification: Likely benign. Last evaluated: 2024-11-22. Review status: criteria provided, single submitter. Criteria: ACMG Guidelines, 2015. Collection method: clinical testing. Allele origin: germline.

KCCC/NGS Laboratory, Kuwait Cancer Control Center
Classification: Benign for Colorectal cancer, susceptibility to, 12. Last evaluated: 2023-07-07. Review status: criteria provided, single submitter. Criteria: ACMG Guidelines, 2015. Collection method: clinical testing. Allele origin: germline. Affected: yes.

Women's Health and Genetics/Laboratory Corporation of America, LabCorp
Classification: Likely benign. Last evaluated: 2022-05-12. Review status: criteria provided, single submitter. Criteria: LabCorp Variant Classification Summary - May 2015. Collection method: clinical testing. Allele origin: germline.

Fulgent Genetics
Classification: Likely benign for Colorectal cancer, susceptibility to, 12; Facial dysmorphism-immunodeficiency-livedo-short stature syndrome; Intrauterine growth retardation, metaphyseal dysplasia, adrenal hypoplasia congenita, genital anomalies, and immunodeficiency. Last evaluated: 2021-08-20. Review status: criteria provided, single submitter. Criteria: ACMG Guidelines, 2015. Collection method: clinical testing. Allele origin: unknown.

Quest Diagnostics Nichols Institute San Juan Capistrano
Classification: Benign. Last evaluated: 2018-03-14. Review status: criteria provided, single submitter. Criteria: Quest Diagnostics criteria. Collection method: clinical testing. Allele origin: unknown.

Genetic Services Laboratory, University of Chicago
Classification: Benign. Last evaluated: 2017-08-31. Review status: criteria provided, single submitter. Criteria: ACMG Guidelines, 2015. Collection method: clinical testing. Allele origin: germline. Affected: no.

GeneDx
Classification: Benign. Last evaluated: 2017-05-25. Review status: criteria provided, single submitter. Criteria: GeneDx Variant Classification (06012015). Collection method: clinical testing. Allele origin: germline. Affected: yes.
Comment: This variant is considered likely benign or benign based on one or more of the following criteria: it is a conservative change, it occurs at a poorly conserved position in the protein, it is predicted to be benign by multiple in silico algorithms, and/or has population frequency not consistent with disease.

PreventionGenetics, part of Exact Sciences
Classification: Benign. Last evaluated: 2016-12-01. Review status: criteria provided, single submitter. Criteria: ACMG Guidelines, 2015. Collection method: clinical testing. Allele origin: germline.

Ambry Genetics
Classification: Benign for Hereditary cancer-predisposing syndrome. Last evaluated: 2015-06-05. Review status: criteria provided, single submitter. Criteria: Ambry Variant Classification Scheme 2023. Collection method: clinical testing. Allele origin: germline.

Breakthrough Genomics
Classification: Likely benign. Review status: criteria provided, single submitter. Criteria: ACMG Guidelines, 2015. Collection method: not provided. Allele origin: germline. Inheritance: Autosomal recessive inheritance. Affected: yes.

True Health Diagnostics
Classification: Likely benign for Hereditary cancer-predisposing syndrome. Last evaluated: 2017-11-10. Review status: no assertion criteria provided. Collection method: clinical testing. Allele origin: germline. Not counted in ClinVar's aggregate classification.

Counsyl
Classification: Likely benign for Colorectal cancer, susceptibility to, 12. Last evaluated: 2016-06-07. Review status: no assertion criteria provided. Collection method: clinical testing. Allele origin: unknown. Not counted in ClinVar's aggregate classification.

Clinical Genetics DNA and cytogenetics Diagnostics Lab, Erasmus MC, Erasmus Medical Center
Classification: Likely benign. Review status: no assertion criteria provided. Collection method: clinical testing. Allele origin: germline. Affected: yes. Study: VKGL Data-share Consensus. Not counted in ClinVar's aggregate classification.

Clinical Genetics, Academic Medical Center
Classification: Likely benign. Review status: no assertion criteria provided. Collection method: clinical testing. Allele origin: germline. Affected: yes. Study: VKGL Data-share Consensus. Not counted in ClinVar's aggregate classification.

Department of Pathology and Laboratory Medicine, Sinai Health System
Classification: Benign. Review status: no assertion criteria provided. Collection method: clinical testing. Allele origin: unknown. Affected: yes. Study: The Canadian Open Genetics Repository (COGR). Not counted in ClinVar's aggregate classification.
Comment: The POLE p.Ile2255Phe variant was not identified in the literature nor was it identified in the Cosmic or MutDB databases. The variant was identified in dbSNP (ID: rs73155056) â€šÃ„ÃºWith Uncertain significance, other alleleâ€šÃ„Ã¹ and ClinVar (classified benign by Invitae and Ambry Genetics; and as likely benign by Counsyl, GeneDx, and Quest Diagnostics Nichols Insitute San Juan Capistrano). The variant was identified in control databases in 1455 (13 homozygous) of 276312 chromosomes at a frequency of 0.005, increasing the likelihood this could be a low frequency benign variant (Genome Aggregation Database Feb 27, 2017). The variant was identified in the following populations: Finnish in 687 (12 homozygous) of 25786 chromosomes (freq: 0.03), African in 21 of 24016 chromosomes (freq: 0.0009), Other in 40 of 6460 chromosomes (freq: 0.006), Latino in 56 (1 homozygous) of 34420 chromosomes (freq: 0.002), European Non-Finnish in 612 of 125828 chromosomes (freq: 0.005), Ashkenazi Jewish in 22 of 10152 chromosomes (freq: 0.002), and South Asian in 17 of 30782 chromosomes (freq: 0.0006); it was not observed in the East Asian population. The p.Ile2255 residue is conserved in mammals but not in more distantly related organisms. However, four out of five computational analyses (PolyPhen-2, SIFT, AlignGVGD, BLOSUM, MutationTaster) do not suggest a high likelihood the variant Phe impacts the protein; this information is not predictive enough to rule out pathogenicity. The variant occurs outside of the splicing consensus sequence and 1 of 5 in silico or computational prediction software programs (SpliceSiteFinder, MaxEntScan, NNSPLICE, GeneSplicer, HumanSpliceFinder) predict a greater than 10% difference in splicing; this is not very predictive of pathogenicity. In summary, based on the above information this variant meets our laboratory's criteria to be classified as benign.

Diagnostic Laboratory, Department of Genetics, University Medical Center Groningen
Classification: Likely benign. Review status: no assertion criteria provided. Collection method: clinical testing. Allele origin: germline. Affected: yes. Study: VKGL Data-share Consensus. Not counted in ClinVar's aggregate classification.

Genome Diagnostics Laboratory, Amsterdam University Medical Center
Classification: Benign. Review status: no assertion criteria provided. Collection method: clinical testing. Allele origin: germline. Affected: yes. Study: VKGL Data-share Consensus. Not counted in ClinVar's aggregate classification.

NM_006231.4(POLE):c.6763A>T (p.Ile2255Phe)

Gene: POLE (DNA polymerase epsilon, catalytic subunit; minus strand). Cytogenetic location: 12q24.33.
Variant type: single nucleotide variant.
Coding change: c.6763A>T on transcript NM_006231.4 (MANE Select); coding-DNA position 6763, A replaced by T.
Protein change: p.Ile2255Phe; replaces isoleucine 2255 with phenylalanine.
Molecular consequence: missense variant.
Genome position (GRCh38, 1-based): chr12:132,624,795, T>A on the plus strand (A>T on the coding strand, the complement: POLE is on the minus strand). VCF-style: chr12-132624795-T-A. GRCh37 (hg19) VCF-style: chr12-133201381-T-A.
Other names: short protein forms I2255F.
Identifiers: ClinVar variation 221175 (VCV000221175.87), dbSNP rs73155056, ClinGen allele CA350514.
Genomic context (GRCh38, chr12:132,624,795, plus strand): 5'-CCAGGGTCTCCAGGAGGTACGACATGCCGTAGTGCTGGGCAATGTTCCGGAATATTCCGA[T>A]CTGTTCCATGAAGACCTGCAGGAATAAACAGGCACAGTGAGACCCCAGTCCACTCAGAGA-3'
Protein context (NP_006222.2, residues 2245-2265): TIHTQVFMEQ[Ile2255Phe]GIFRNIAQHY